The following is an entry in ClinVar:

NM_000094.4(COL7A1):c.6934A>G (p.Lys2312Glu)

Gene: COL7A1 (collagen type VII alpha 1 chain; minus strand). Cytogenetic location: 3p21.31.
Variant type: single nucleotide variant.
Coding change: c.6934A>G on transcript NM_000094.4 (MANE Select); coding-DNA position 6934, A replaced by G.
Protein change: p.Lys2312Glu; replaces lysine 2312 with glutamic acid.
Molecular consequence: missense variant.
Genome position (GRCh38, 1-based): chr3:48,572,505, T>C on the plus strand (A>G on the coding strand, the complement: COL7A1 is on the minus strand). VCF-style: chr3-48572505-T-C. GRCh37 (hg19) VCF-style: chr3-48609938-T-C.
Other names: short protein forms K2312E.
Identifiers: ClinVar variation 3635670 (VCV003635670.2).

ClinVar aggregate classification (germline): Uncertain significance (1 of 4 stars; one submission).

gnomAD v4.1: 1 of 1,612,956 alleles (0.000062%); highest among the groups gnomAD compares: South Asian, 0.0011%; no homozygotes.

Submission:

Labcorp Genetics (formerly Invitae), Labcorp
Classification: Uncertain significance. Last evaluated: 2024-06-04. Review status: criteria provided, single submitter. Criteria: Invitae Variant Classification Sherloc (09022015). Collection method: clinical testing. Allele origin: germline.
Comment: This sequence change replaces lysine, which is basic and polar, with glutamic acid, which is acidic and polar, at codon 2312 of the COL7A1 protein (p.Lys2312Glu). This variant is not present in population databases (gnomAD no frequency). This variant has not been reported in the literature in individuals affected with COL7A1-related conditions. Advanced modeling of protein sequence and biophysical properties (such as structural, functional, and spatial information, amino acid conservation, physicochemical variation, residue mobility, and thermodynamic stability) has been performed at Invitae for this missense variant, however the output from this modeling did not meet the statistical confidence thresholds required to predict the impact of this variant on COL7A1 protein function. In summary, the available evidence is currently insufficient to determine the role of this variant in disease. Therefore, it has been classified as a Variant of Uncertain Significance.